The following is an entry in ClinVar:

NM_019045.5(WDR44):c.22G>T (p.Glu8Ter)

Gene: WDR44 (WD repeat domain 44; plus strand). Cytogenetic location: Xq24.
Variant type: single nucleotide variant.
Coding change: c.22G>T on transcript NM_019045.5 (MANE Select); coding-DNA position 22, G replaced by T.
Protein change: p.Glu8Ter; replaces glutamic acid 8 with a stop codon.
Molecular consequence: nonsense.
Genome position (GRCh38, 1-based): chrX:118,346,525, G>T. VCF-style: chrX-118346525-G-T. GRCh37 (hg19) VCF-style: chrX-117480488-G-T.
Other names: c.22G>T, p.Glu8Ter (NM_001184965.2, NM_001184966.1); short protein forms E8*.
Identifiers: ClinVar variation 4856345 (VCV004856345.1).

ClinVar aggregate classification (germline): Uncertain significance (1 of 4 stars; one submission).

Conditions:
WDR44-related disorder.

Submission:

3billion
Classification: Uncertain significance for WDR44-related disorder. Last evaluated: 2026-01-19. Review status: criteria provided, single submitter. Criteria: ACMG Guidelines, 2015. Collection method: clinical testing. Allele origin: germline. Affected: yes.
Comment: The variant is not observed in the gnomAD v4.1.0 dataset. Predicted Consequence/Location: Stop-gained (nonsense) Therefore, this variant is classified as VUS according to the recommendation of ACMG/AMP guideline.